The following is an entry in ClinVar:

ClinVar aggregate classification (germline): Uncertain significance (1 of 4 stars; one submission).

Conditions:
Inborn genetic diseases. Identifiers: MedGen C0950123, MeSH D030342.

Allele frequency attached by ClinVar (database versions not stated): TOPMed 0.00002; ExAC 0.00003; gnomAD exomes 0.00003; gnomAD 0.00004; 1000 Genomes Project 30x 0.00016; 1000 Genomes Project 0.00020.
gnomAD v4.1: 49 of 1,613,992 alleles (0.003%); highest among the groups gnomAD compares: East Asian, 0.011%; no homozygotes.

Submission:

Ambry Genetics
Classification: Uncertain significance for Inborn genetic diseases. Last evaluated: 2020-12-07. Review status: criteria provided, single submitter. Criteria: Ambry Variant Classification Scheme 2023. Collection method: clinical testing. Allele origin: germline.
Comment: The c.1955G>A (p.R652Q) alteration is located in exon 17 (coding exon 17) of the SMPD4 gene. This alteration results from a G to A substitution at nucleotide position 1955, causing the arginine (R) at amino acid position 652 to be replaced by a glutamine (Q). The p.R652Q alteration is predicted to be tolerated by in silico analysis. Based on insufficient or conflicting evidence, the clinical significance of this alteration remains unclear.

NM_017951.5(SMPD4):c.1838G>A (p.Arg613Gln)

Gene: SMPD4 (sphingomyelin phosphodiesterase 4; minus strand). Cytogenetic location: 2q21.1.
Variant type: single nucleotide variant.
Coding change: c.1838G>A on transcript NM_017951.5 (MANE Select); coding-DNA position 1838, G replaced by A.
Protein change: p.Arg613Gln; replaces arginine 613 with glutamine.
Molecular consequence: missense variant. On other transcripts: non-coding transcript variant (2).
Genome position (GRCh38, 1-based): chr2:130,153,757, C>T on the plus strand (G>A on the coding strand, the complement: SMPD4 is on the minus strand). VCF-style: chr2-130153757-C-T. GRCh37 (hg19) VCF-style: chr2-130911330-C-T.
Other names: c.1649G>A, p.Arg550Gln (NM_001171083.2); c.1868G>A, p.Arg623Gln (NM_017751.4); short protein forms R613Q, R623Q, R550Q.
Identifiers: ClinVar variation 2402563 (VCV002402563.2), dbSNP rs568760461, ClinGen allele CA1869623.
Genomic context (GRCh38, chr2:130,153,757, plus strand): 5'-CGTACCCGGAATATCTGGCGCAGGTACTCCAGGGCCTTCTCCAGGTATTCATCTGTCTTC[C>T]GGACACTGTCTTGCCCCATCTCGTCCAGGTCGTTGGCTGTGTAGGAGCCATTGGTGTCCA-3'
Protein context (NP_060421.3, residues 603-623): DLDEMGQDSV[Arg613Gln]KTDEYLEKAL